The following is an entry in ClinVar:

NM_004393.6(DAG1):c.734C>T (p.Pro245Leu)

Gene: DAG1 (dystroglycan 1; plus strand). Cytogenetic location: 3p21.31.
Variant type: single nucleotide variant.
Coding change: c.734C>T on transcript NM_004393.6 (MANE Select); coding-DNA position 734, C replaced by T.
Protein change: p.Pro245Leu; replaces proline 245 with leucine.
Molecular consequence: missense variant.
Genome position (GRCh38, 1-based): chr3:49,531,245, C>T. VCF-style: chr3-49531245-C-T. GRCh37 (hg19) VCF-style: chr3-49568678-C-T.
Other names: c.734C>T, p.Pro245Leu (NM_001177641.3, NM_001177642.3, NM_001177643.3 and 9 more transcripts); short protein forms P245L.
Identifiers: ClinVar variation 1445194 (VCV001445194.6), dbSNP rs780960166, ClinGen allele CA2398952.

ClinVar aggregate classification (germline): Uncertain significance (1 of 4 stars; one submission).

Conditions:
Muscular dystrophy-dystroglycanopathy (congenital with brain and eye anomalies), type A9. Also called: WALKER-WARBURG SYNDROME OR MUSCLE-EYE BRAIN DISEASE, DAG1-RELATED; Muscular dystrophy-dystroglycanopathy (congenital with brain and eye anomalies), type a, 9. Identifiers: Orphanet 370997, Orphanet 899, MedGen C4225291, MONDO:0014683, OMIM 616538.
Autosomal recessive limb-girdle muscular dystrophy type 2P. Also called: MUSCULAR DYSTROPHY-DYSTROGLYCANOPATHY, LIMB-GIRDLE, DAG1-RELATED; Limb-Girdle Muscular Dystrophy Type 9C; MUSCULAR DYSTROPHY, LIMB-GIRDLE, TYPE 2P. Identifiers: Orphanet 280333, MedGen C4511963, MONDO:0013440, OMIM 613818.

Allele frequency attached by ClinVar (database versions not stated): gnomAD exomes below 0.00001; ExAC 0.00001.
gnomAD v4.1: 2 of 1,614,082 alleles (0.00012%); highest among the groups gnomAD compares: Middle Eastern, 0.016%; no homozygotes.

Submission:

Labcorp Genetics (formerly Invitae), Labcorp
Classification: Uncertain significance for Autosomal recessive limb-girdle muscular dystrophy type 2P; Muscular dystrophy-dystroglycanopathy (congenital with brain and eye anomalies), type A9. Last evaluated: 2023-08-04. Review status: criteria provided, single submitter. Criteria: Invitae Variant Classification Sherloc (09022015). Collection method: clinical testing. Allele origin: germline.
Comment: In summary, the available evidence is currently insufficient to determine the role of this variant in disease. Therefore, it has been classified as a Variant of Uncertain Significance. Advanced modeling of protein sequence and biophysical properties (such as structural, functional, and spatial information, amino acid conservation, physicochemical variation, residue mobility, and thermodynamic stability) has been performed at Invitae for this missense variant, however the output from this modeling did not meet the statistical confidence thresholds required to predict the impact of this variant on DAG1 protein function. ClinVar contains an entry for this variant (Variation ID: 1445194). This variant has not been reported in the literature in individuals affected with DAG1-related conditions. This variant is present in population databases (rs780960166, gnomAD no frequency). This sequence change replaces proline, which is neutral and non-polar, with leucine, which is neutral and non-polar, at codon 245 of the DAG1 protein (p.Pro245Leu).